The following is an entry in ClinVar:

NM_012301.4(MAGI2):c.2723C>G (p.Pro908Arg)

Gene: MAGI2 (membrane associated guanylate kinase, WW and PDZ domain containing 2; minus strand). Cytogenetic location: 7q21.11.
Variant type: single nucleotide variant.
Coding change: c.2723C>G on transcript NM_012301.4 (MANE Select); coding-DNA position 2723, C replaced by G.
Protein change: p.Pro908Arg; replaces proline 908 with arginine.
Molecular consequence: missense variant.
Genome position (GRCh38, 1-based): chr7:78,160,147, G>C on the plus strand (C>G on the coding strand, the complement: MAGI2 is on the minus strand). VCF-style: chr7-78160147-G-C. GRCh37 (hg19) VCF-style: chr7-77789464-G-C.
Other names: c.2681C>G, p.Pro894Arg (NM_001301128.2); short protein forms P908R, P894R.
Identifiers: ClinVar variation 498637 (VCV000498637.11), dbSNP rs150080418, ClinGen allele CA4313683.

ClinVar aggregate classification (germline): Uncertain significance. Review status: criteria provided, multiple submitters, no conflicts (2 of 4 stars). 6 submissions from 6 submitters: Uncertain significance (5). 1 of the submissions does not count toward it. Last evaluated 2024-11-04.

Conditions:
Nephrotic syndrome 15. Identifiers: MedGen C4539896, MONDO:0033262, OMIM 617609.
MAGI2-related disorder. Also called: MAGI2-related condition.

Allele frequency attached by ClinVar (database versions not stated): 1000 Genomes Project 30x 0.00031; TOPMed 0.00034; 1000 Genomes Project 0.00040; ESP Exome Variant Server 0.00054.
gnomAD v4.1: 951 of 1,612,838 alleles (0.059%); highest among the groups gnomAD compares: Non-Finnish European, 0.075%; no homozygotes.

Submissions (6):

Blueprint Genetics
Classification: Uncertain significance. Last evaluated: 2024-11-04. Review status: criteria provided, single submitter. Criteria: ACMG Guidelines, 2015. Collection method: clinical testing. Allele origin: germline.

Fulgent Genetics
Classification: Uncertain significance for Nephrotic syndrome 15. Last evaluated: 2024-01-15. Review status: criteria provided, single submitter. Criteria: ACMG Guidelines, 2015. Collection method: clinical testing. Allele origin: germline.

Labcorp Genetics (formerly Invitae), Labcorp
Classification: Uncertain significance. Last evaluated: 2022-08-31. Review status: criteria provided, single submitter. Criteria: Invitae Variant Classification Sherloc (09022015). Collection method: clinical testing. Allele origin: germline.
Comment: This sequence change replaces proline, which is neutral and non-polar, with arginine, which is basic and polar, at codon 908 of the MAGI2 protein (p.Pro908Arg). This variant is present in population databases (rs150080418, gnomAD 0.06%). This variant has not been reported in the literature in individuals affected with MAGI2-related conditions. ClinVar contains an entry for this variant (Variation ID: 498637). Algorithms developed to predict the effect of missense changes on protein structure and function are either unavailable or do not agree on the potential impact of this missense change (SIFT: "Deleterious"; PolyPhen-2: "Benign"; Align-GVGD: "Class C65"). In summary, the available evidence is currently insufficient to determine the role of this variant in disease. Therefore, it has been classified as a Variant of Uncertain Significance.

Athena Diagnostics
Classification: Uncertain significance. Last evaluated: 2022-06-28. Review status: criteria provided, single submitter. Criteria: Athena Diagnostics Criteria. Collection method: clinical testing. Allele origin: unknown.

Eurofins Ntd Llc (ga)
Classification: Uncertain significance. Last evaluated: 2016-12-27. Review status: criteria provided, single submitter. Criteria: EGL Classification Definitions 2015. Collection method: clinical testing. Allele origin: germline. Observed: 1 variant allele, 1 heterozygote.

PreventionGenetics, part of Exact Sciences
Classification: Uncertain significance for MAGI2-related condition. Last evaluated: 2024-02-09. Review status: no assertion criteria provided. Collection method: clinical testing. Allele origin: germline. Not counted in ClinVar's aggregate classification.
Comment: The MAGI2 c.2723C>G variant is predicted to result in the amino acid substitution p.Pro908Arg. This variant was reported as a variant of uncertain significance (VUS) in an individual with epilepsy (DiFrancesco et al. 2019. PubMed ID: 30986657). This variant is reported in 0.054% of alleles in individuals of European (Non-Finnish) descent in gnomAD. At this time, the clinical significance of this variant is uncertain due to the absence of conclusive functional and genetic evidence.

Literature cited by the submitters: PubMed 30986657 (cited by Athena Diagnostics).